The following is an entry in ClinVar:

ClinVar aggregate classification (germline): Uncertain significance. Review status: criteria provided, multiple submitters, no conflicts (2 of 4 stars). 3 submissions from 3 submitters: Uncertain significance (3). Last evaluated 2025-10-02.

Conditions:
Hereditary pheochromocytoma and paraganglioma. Also called: Hereditary pheochromocytoma-paraganglioma; Hereditary paragangliomas and pheochromocytomas; Hereditary Paraganglioma-Pheochromocytoma Syndromes. Identifiers: Orphanet 29072, MedGen C4274332, MONDO:0017366.
Hereditary cancer-predisposing syndrome. Also called: Hereditary Cancer Syndrome; Tumor predisposition; Neoplastic Syndromes, Hereditary; Hereditary neoplastic syndrome. Identifiers: Orphanet 140162, MedGen C0027672, MeSH D009386, MONDO:0015356.

Allele frequency attached by ClinVar (database versions not stated): gnomAD exomes below 0.00001; TOPMed 0.00001.

Submissions (3):

Labcorp Genetics (formerly Invitae), Labcorp
Classification: Uncertain significance for Hereditary pheochromocytoma and paraganglioma. Last evaluated: 2025-10-02. Review status: criteria provided, single submitter. Criteria: Invitae Variant Classification Sherloc (09022015). Collection method: clinical testing. Allele origin: germline.
Comment: This sequence change replaces histidine, which is basic and polar, with arginine, which is basic and polar, at codon 161 of the TMEM127 protein (p.His161Arg). This variant is not present in population databases (gnomAD no frequency). This variant has not been reported in the literature in individuals affected with TMEM127-related conditions. ClinVar contains an entry for this variant (Variation ID: 862521). An algorithm developed to predict the effect of missense changes on protein structure and function (PolyPhen-2) suggests that this variant is likely to be tolerated. In summary, the available evidence is currently insufficient to determine the role of this variant in disease. Therefore, it has been classified as a Variant of Uncertain Significance.

Quest Diagnostics Nichols Institute San Juan Capistrano
Classification: Uncertain significance. Last evaluated: 2025-04-24. Review status: criteria provided, single submitter. Criteria: Quest Diagnostics criteria. Collection method: clinical testing. Allele origin: unknown.
Comment: The TMEM127 c.482A>G (p.His161Arg) variant has not been reported in individuals with TMEM127-related conditions in the published literature. It also has not been reported in large, multi-ethnic general populations (Genome Aggregation Database). Analysis of this variant using bioinformatics tools for the prediction of the effect of amino acid changes on protein structure and function yielded conflicting predictions that this variant is deleterious or benign. Additional analysis using software algorithms for the prediction of the effect of nucleotide changes on TMEM127 mRNA splicing yielded predictions that this variant may result in the gain of a cryptic splice site without affecting the natural splice sites. Based on the available information, we are unable to determine the clinical significance of this variant.

Ambry Genetics
Classification: Uncertain significance for Hereditary cancer-predisposing syndrome. Last evaluated: 2025-04-05. Review status: criteria provided, single submitter. Criteria: Ambry Variant Classification Scheme 2023. Collection method: clinical testing. Allele origin: germline.
Comment: The p.H161R variant (also known as c.482A>G), located in coding exon 3 of the TMEM127 gene, results from an A to G substitution at nucleotide position 482. The histidine at codon 161 is replaced by arginine, an amino acid with highly similar properties. This amino acid position is conserved. In addition, this alteration is predicted to be deleterious by in silico analysis. Since supporting evidence is limited at this time, the clinical significance of this alteration remains unclear.

NM_017849.4(TMEM127):c.482A>G (p.His161Arg)

Gene: TMEM127 (transmembrane protein 127; minus strand). Cytogenetic location: 2q11.2.
Variant type: single nucleotide variant.
Coding change: c.482A>G on transcript NM_017849.4 (MANE Select); coding-DNA position 482, A replaced by G.
Protein change: p.His161Arg; replaces histidine 161 with arginine.
Molecular consequence: missense variant.
Genome position (GRCh38, 1-based): chr2:96,254,043, T>C on the plus strand (A>G on the coding strand, the complement: TMEM127 is on the minus strand). VCF-style: chr2-96254043-T-C. GRCh37 (hg19) VCF-style: chr2-96919781-T-C.
Other names: c.482A>G, p.His161Arg (NM_001193304.3); short protein forms H161R.
Identifiers: ClinVar variation 862521 (VCV000862521.13), dbSNP rs778839133, ClinGen allele CA52412084.